The following is an entry in ClinVar:

NM_015102.5(NPHP4):c.3555T>A (p.Asn1185Lys)

Gene: NPHP4 (nephrocystin 4; minus strand). Cytogenetic location: 1p36.31.
Variant type: single nucleotide variant.
Coding change: c.3555T>A on transcript NM_015102.5 (MANE Select); coding-DNA position 3555, T replaced by A.
Protein change: p.Asn1185Lys; replaces asparagine 1185 with lysine.
Molecular consequence: missense variant. On other transcripts: non-coding transcript variant (1).
Genome position (GRCh38, 1-based): chr1:5,867,033, A>T on the plus strand (T>A on the coding strand, the complement: NPHP4 is on the minus strand). VCF-style: chr1-5867033-A-T. GRCh37 (hg19) VCF-style: chr1-5927093-A-T.
Other names: c.2016T>A, p.Asn672Lys (NM_001291593.2); c.2019T>A, p.Asn673Lys (NM_001291594.2); short protein forms N1185K, N672K, N673K.
Identifiers: ClinVar variation 1006174 (VCV001006174.7), dbSNP rs753555544, ClinGen allele CA553563.
Genomic context (GRCh38, chr1:5,867,033, plus strand): 5'-AGGGGCGCAGACTCACTGGGAAGGATCTGCCTGAGCTGGGGCCACAACACAACCTACCAC[A>T]TTCTGGGTCTCACAGATGACGTTCGGGTCGCTGCAGCGAACATGGACTGGGGGGTCCTCA-3'
Protein context (NP_055917.1, residues 1175-1195): SDPNVICETQ[Asn1185Lys]VGPGEPRDIF

ClinVar aggregate classification (germline): Uncertain significance. Review status: criteria provided, multiple submitters, no conflicts (2 of 4 stars). 2 submissions from 2 submitters: Uncertain significance (2). Last evaluated 2022-07-12.

Conditions:
Nephronophthisis 4 (NPHP4). Also called: NEPHRONOPHTHISIS 4, JUVENILE. Identifiers: Orphanet 655, MedGen C1847013, MONDO:0011752, OMIM 606966.
Senior-Loken syndrome 4 (SLSN4). Identifiers: Orphanet 3156, MedGen C1846979, MONDO:0011756, OMIM 606996.
Nephronophthisis. Also called: Juvenile Nephronophthisis. Identifiers: Orphanet 655, MedGen C0687120, MONDO:0019005, HP:0000090.

Allele frequency attached by ClinVar (database versions not stated): ExAC 0.00001; gnomAD 0.00002 and 0.00003; TOPMed 0.00004.

Submissions (2):

Labcorp Genetics (formerly Invitae), Labcorp
Classification: Uncertain significance for Nephronophthisis. Last evaluated: 2022-07-12. Review status: criteria provided, single submitter. Criteria: Invitae Variant Classification Sherloc (09022015). Collection method: clinical testing. Allele origin: germline.
Comment: This sequence change replaces asparagine, which is neutral and polar, with lysine, which is basic and polar, at codon 1185 of the NPHP4 protein (p.Asn1185Lys). This variant is present in population databases (rs753555544, gnomAD 0.02%). This variant has not been reported in the literature in individuals affected with NPHP4-related conditions. ClinVar contains an entry for this variant (Variation ID: 1006174). Algorithms developed to predict the effect of missense changes on protein structure and function output the following: SIFT: "Deleterious"; PolyPhen-2: "Benign"; Align-GVGD: "Class C0". The lysine amino acid residue is found in multiple mammalian species, which suggests that this missense change does not adversely affect protein function. In summary, the available evidence is currently insufficient to determine the role of this variant in disease. Therefore, it has been classified as a Variant of Uncertain Significance.

Fulgent Genetics
Classification: Uncertain significance for Nephronophthisis 4; Senior-Loken syndrome 4. Last evaluated: 2022-04-07. Review status: criteria provided, single submitter. Criteria: ACMG Guidelines, 2015. Collection method: clinical testing. Allele origin: unknown.